The following is an entry in ClinVar:

NM_006206.6(PDGFRA):c.50-18G>A

Gene: PDGFRA (platelet derived growth factor receptor alpha; plus strand). Cytogenetic location: 4q12.
Variant type: single nucleotide variant.
Coding change: c.50-18G>A on transcript NM_006206.6 (MANE Select); 18 bases into the intron before coding-DNA position 50, G replaced by A.
Molecular consequence: intron variant.
Genome position (GRCh38, 1-based): chr4:54,261,077, G>A. VCF-style: chr4-54261077-G-A. GRCh37 (hg19) VCF-style: chr4-55127244-G-A.
Other names: c.125-18G>A (NM_001347828.2); c.50-18G>A (NM_001347827.2, NM_001347829.2); c.89-18G>A (NM_001347830.2).
Identifiers: ClinVar variation 1616081 (VCV001616081.9), dbSNP rs774580779, ClinGen allele CA551651465.

ClinVar aggregate classification (germline): Likely benign. Review status: criteria provided, multiple submitters, no conflicts (2 of 4 stars). 2 submissions from 2 submitters: Likely benign (2). Last evaluated 2026-06-12.

Conditions:
Polyps, multiple and recurrent inflammatory fibroid, gastrointestinal. Identifiers: MedGen C5193005, MONDO:0008285, OMIM 175510.
Gastrointestinal stromal tumor. Also called: Gastrointestinal stromal tumor, somatic; Gastrointestinal stroma tumor. Identifiers: Orphanet 44890, MedGen C0238198, MeSH D046152, MONDO:0011719, OMIM 606764, HP:0100723.

gnomAD v4.1: 5 of 1,611,622 alleles (0.00031%); highest among the groups gnomAD compares: East Asian, 0.0045%; no homozygotes.

Submissions (2):

Myriad Genetics, Inc.
Classification: Likely benign for Polyps, multiple and recurrent inflammatory fibroid, gastrointestinal. Last evaluated: 2026-06-12. Review status: criteria provided, single submitter. Criteria: Myriad Autosomal Dominant, Autosomal Recessive and X-Linked Classification Criteria (2023). Collection method: clinical testing. Allele origin: unknown.
Comment: This variant is considered likely benign. This variant is intronic and is not expected to impact mRNA splicing.

Labcorp Genetics (formerly Invitae), Labcorp
Classification: Likely benign for Gastrointestinal stromal tumor. Last evaluated: 2026-01-13. Review status: criteria provided, single submitter. Criteria: Invitae Variant Classification Sherloc (09022015). Collection method: clinical testing. Allele origin: germline.